The following is an entry in ClinVar:

ClinVar aggregate classification (germline): Uncertain significance. Review status: criteria provided, multiple submitters, no conflicts (2 of 4 stars). 2 submissions from 2 submitters: Uncertain significance (2). Last evaluated 2021-08-24.

Conditions:
Muscular dystrophy-dystroglycanopathy (congenital with brain and eye anomalies), type A14. Also called: WALKER-WARBURG SYNDROME OR MUSCLE-EYE-BRAIN DISEASE, GMPPB-RELATED; Muscular dystrophy-dystroglycanopathy (congenital with brain and eye anomalies), type a, 14; Congenital Muscular Dystrophy-Dystroglycanopathy with Brain and Eye Anomalies Type A 14; Congenital muscular dystrophy-dystroglycanopathy with brain and eye anomalies, type A14. Identifiers: Orphanet 588, MedGen C3809216, MONDO:0014140, OMIM 615350.
Muscular dystrophy-dystroglycanopathy (congenital with impaired intellectual development), type B, 14. Also called: MUSCULAR DYSTROPHY, CONGENITAL, GMPPB-RELATED; Muscular dystrophy-dystroglycanopathy (congenital with intellectual disability), type B14; Congenital muscular dystrophy-dystroglycanopathy with mental retardation, type B14. Identifiers: MedGen C3809221, MONDO:0014141, OMIM 615351.
Autosomal recessive limb-girdle muscular dystrophy type 2T. Also called: MUSCULAR DYSTROPHY-DYSTROGLYCANOPATHY, LIMB-GIRDLE, GMPPB-RELATED; MUSCULAR DYSTROPHY, LIMB-GIRDLE, TYPE 2T; Muscular dystrophy-dystroglycanopathy (limb-girdle), type c, 14; Limb-girdle muscular dystrophy-dystroglycanopathy, type C14. Identifiers: Orphanet 363623, MedGen C4518000, MONDO:0014142, OMIM 615352.

Allele frequency attached by ClinVar (database versions not stated): TOPMed below 0.00001; gnomAD exomes below 0.00001.

Submissions (2):

Labcorp Genetics (formerly Invitae), Labcorp
Classification: Uncertain significance for Autosomal recessive limb-girdle muscular dystrophy type 2T; Muscular dystrophy-dystroglycanopathy (congenital with brain and eye anomalies), type A14; Muscular dystrophy-dystroglycanopathy (congenital with impaired intellectual development), type B, 14. Last evaluated: 2021-08-24. Review status: criteria provided, single submitter. Criteria: Invitae Variant Classification Sherloc (09022015). Collection method: clinical testing. Allele origin: germline.
Comment: This sequence change replaces glycine with aspartic acid at codon 249 of the GMPPB protein (p.Gly249Asp). The glycine residue is highly conserved and there is a moderate physicochemical difference between glycine and aspartic acid. This variant is not present in population databases (ExAC no frequency). This variant has not been reported in the literature in individuals affected with GMPPB-related conditions. Algorithms developed to predict the effect of missense changes on protein structure and function (SIFT, PolyPhen-2, Align-GVGD) all suggest that this variant is likely to be tolerated. In summary, the available evidence is currently insufficient to determine the role of this variant in disease. Therefore, it has been classified as a Variant of Uncertain Significance.

Revvity Omics, Revvity
Classification: Uncertain significance. Last evaluated: 2020-09-26. Review status: criteria provided, single submitter. Criteria: ACMG Guidelines, 2015. Collection method: clinical testing. Allele origin: germline.

NM_021971.4(GMPPB):c.746G>A (p.Gly249Asp)

Gene: GMPPB (GDP-mannose pyrophosphorylase B; minus strand). Cytogenetic location: 3p21.31.
Variant type: single nucleotide variant.
Coding change: c.746G>A on transcript NM_021971.4 (MANE Select); coding-DNA position 746, G replaced by A.
Protein change: p.Gly249Asp; replaces glycine 249 with aspartic acid.
Molecular consequence: missense variant.
Genome position (GRCh38, 1-based): chr3:49,722,253, C>T on the plus strand (G>A on the coding strand, the complement: GMPPB is on the minus strand). VCF-style: chr3-49722253-C-T. GRCh37 (hg19) VCF-style: chr3-49759686-C-T.
Other names: c.746G>A (NM_013334.3); c.746G>A, p.Gly249Asp (NM_013334.4); short protein forms G249D.
Identifiers: ClinVar variation 1063623 (VCV001063623.5), dbSNP rs994922049, ClinGen allele CA74541559.